The following is an entry in ClinVar:

NM_000814.6(GABRB3):c.11T>G (p.Leu4Arg)

Gene: GABRB3 (gamma-aminobutyric acid type A receptor subunit beta3; minus strand). Cytogenetic location: 15q12.
Variant type: single nucleotide variant.
Coding change: c.11T>G on transcript NM_000814.6 (MANE Select); coding-DNA position 11, T replaced by G.
Protein change: p.Leu4Arg; replaces leucine 4 with arginine.
Molecular consequence: missense variant. On other transcripts: 5 prime UTR variant (1), intron variant (1).
Genome position (GRCh38, 1-based): chr15:26,772,952, A>C on the plus strand (T>G on the coding strand, the complement: GABRB3 is on the minus strand). VCF-style: chr15-26772952-A-C. GRCh37 (hg19) VCF-style: chr15-27018099-A-C.
Other names: c.-341T>G (NM_001278631.2); c.81-180T>G (NM_021912.5); short protein forms L4R.
Identifiers: ClinVar variation 1720914 (VCV001720914.5), dbSNP rs2504096015, ClinGen allele CA391465688.

ClinVar aggregate classification (germline): Uncertain significance (1 of 4 stars; one submission).

Conditions:
Epilepsy, childhood absence, susceptibility to, 5. Identifiers: Orphanet 64280, MedGen C2677087, MONDO:0012843, OMIM 612269.
Epilepsy, childhood absence, susceptibility to, 1. Also called: Epilepsy, childhood absence 1. Identifiers: Orphanet 64280, MedGen C1838604, MONDO:0020759, OMIM 600131.

Submission:

Labcorp Genetics (formerly Invitae), Labcorp
Classification: Uncertain significance for Epilepsy, childhood absence, susceptibility to, 5; Epilepsy, childhood absence, susceptibility to, 1. Last evaluated: 2022-10-03. Review status: criteria provided, single submitter. Criteria: Invitae Variant Classification Sherloc (09022015). Collection method: clinical testing. Allele origin: germline.
Comment: In summary, the available evidence is currently insufficient to determine the role of this variant in disease. Therefore, it has been classified as a Variant of Uncertain Significance. Advanced modeling of protein sequence and biophysical properties (such as structural, functional, and spatial information, amino acid conservation, physicochemical variation, residue mobility, and thermodynamic stability) performed at Invitae indicates that this missense variant is not expected to disrupt GABRB3 protein function. This variant has not been reported in the literature in individuals affected with GABRB3-related conditions. This variant is not present in population databases (gnomAD no frequency). This sequence change replaces leucine, which is neutral and non-polar, with arginine, which is basic and polar, at codon 4 of the GABRB3 protein (p.Leu4Arg).